The following is an entry in ClinVar:

ClinVar aggregate classification (germline): Likely benign (1 of 4 stars; one submission).

Allele frequency attached by ClinVar (database versions not stated): TOPMed 0.00001; gnomAD 0.00003; gnomAD exomes 0.00009; ExAC 0.00094.
gnomAD v4.1: 128 of 1,561,350 alleles (0.0082%); highest among the groups gnomAD compares: South Asian, 0.14%; 1 homozygote.

Submission:

CeGaT Center for Human Genetics Tuebingen
Classification: Likely benign. Last evaluated: 2025-08-01. Review status: criteria provided, single submitter. Criteria: CeGaT Center For Human Genetics Tuebingen Variant Classification Criteria Version 2. Collection method: clinical testing. Allele origin: germline. Affected: yes. Observed: 2 variant alleles.
Comment: ABCA2: BP4, BP7

NM_001606.5(ABCA2):c.705G>A (p.Leu235=)

Gene: ABCA2 (ATP binding cassette subfamily A member 2; minus strand). Cytogenetic location: 9q34.3.
Variant type: single nucleotide variant.
Coding change: c.705G>A on transcript NM_001606.5 (MANE Select); coding-DNA position 705, G replaced by A.
Protein change: p.Leu235=; no amino-acid change (leucine 235 retained).
Molecular consequence: synonymous variant.
Genome position (GRCh38, 1-based): chr9:137,021,584, C>T on the plus strand (G>A on the coding strand, the complement: ABCA2 is on the minus strand). VCF-style: chr9-137021584-C-T. GRCh37 (hg19) VCF-style: chr9-139916036-C-T.
Other names: c.702G>A, p.Leu234= (NM_001411042.1); c.795G>A, p.Leu265= (NM_212533.3).
Identifiers: ClinVar variation 2659792 (VCV002659792.24), dbSNP rs773942133, ClinGen allele CA5355686.